The following is an entry in ClinVar:

NM_001048174.2(MUTYH):c.821T>C (p.Val274Ala)

Gene: MUTYH (mutY DNA glycosylase; minus strand). Cytogenetic location: 1p34.1.
Variant type: single nucleotide variant.
Coding change: c.821T>C on transcript NM_001048174.2 (MANE Select); coding-DNA position 821, T replaced by C.
Protein change: p.Val274Ala; replaces valine 274 with alanine.
Molecular consequence: missense variant. On other transcripts: non-coding transcript variant (7).
Genome position (GRCh38, 1-based): chr1:45,332,194, A>G on the plus strand (T>C on the coding strand, the complement: MUTYH is on the minus strand). VCF-style: chr1-45332194-A-G. GRCh37 (hg19) VCF-style: chr1-45797866-A-G.
Other names: c.821T>C, p.Val274Ala (NM_001293195.2, NM_001407081.1, NM_001048171.2 and 6 more transcripts); c.854T>C, p.Val285Ala (NM_001407077.1, NM_001293191.2, NM_001407069.1); c.824T>C, p.Val275Ala (NM_001407078.1, NM_001407086.1, NM_001048172.2 and 1 more transcripts); c.782T>C, p.Val261Ala (NM_001407079.1); c.779T>C, p.Val260Ala (NM_001407080.1); c.476T>C, p.Val159Ala (NM_001407082.1, NM_001350650.2, NM_001350651.2); c.863T>C, p.Val288Ala (NM_001407083.1, NM_001407085.1); c.842T>C, p.Val281Ala (NM_001407087.1); and 5 more; short protein forms V159A, V260A, V274A, V281A, V289A, V275A, V288A, V302A.
Identifiers: ClinVar variation 4113898 (VCV004113898.1).

ClinVar aggregate classification (germline): Uncertain significance (1 of 4 stars; one submission).

Conditions:
Hereditary cancer-predisposing syndrome. Also called: Hereditary neoplastic syndrome; Neoplastic Syndromes, Hereditary; Tumor predisposition; Hereditary Cancer Syndrome. Identifiers: Orphanet 140162, MedGen C0027672, MeSH D009386, MONDO:0015356.

Submission:

Ambry Genetics
Classification: Uncertain significance for Hereditary cancer-predisposing syndrome. Last evaluated: 2025-08-27. Review status: criteria provided, single submitter. Criteria: Ambry Variant Classification Scheme 2023. Collection method: clinical testing. Allele origin: germline.
Comment: The p.V302A variant (also known as c.905T>C), located in coding exon 10 of the MUTYH gene, results from a T to C substitution at nucleotide position 905. The valine at codon 302 is replaced by alanine, an amino acid with similar properties. This amino acid position is conserved. In addition, this alteration is predicted to be deleterious by in silico analysis. Based on the available evidence, the clinical significance of this variant remains unclear.